The following is an entry in ClinVar:

ClinVar aggregate classification (germline): Likely pathogenic (1 of 4 stars; one submission).

Conditions:
Syndromic microphthalmia type 5 (MCOPS5). Also called: RETINAL DYSTROPHY, EARLY-ONSET, WITHOUT PITUITARY DYSFUNCTION; RETINAL DYSTROPHY, EARLY-ONSET, WITH PITUITARY DYSFUNCTION. Identifiers: Orphanet 178364, MedGen C1864690, MONDO:0012413, OMIM 610125.
Pituitary hormone deficiency, combined, 6. Identifiers: MedGen C3151440, MONDO:0013518, OMIM 613986.

Submission:

Juno Genomics, Hangzhou Juno Genomics, Inc
Classification: Likely pathogenic for Syndromic microphthalmia type 5; Pituitary hormone deficiency, combined, 6. Review status: criteria provided, single submitter. Criteria: ACMG Guidelines, 2015. Collection method: clinical testing. Allele origin: germline. Affected: yes.
Comment: Null variant in a gene where loss of function (LOF) is a known mechanism of disease.;Absent from controls (or at extremely low frequency if recessive) in Genome Aggregation Database, Exome Sequencing Project, 1000 Genomes Project, or Exome Aggregation Consortium.;De novo (both maternity and paternity confirmed) in a patient with the disease and no family history.

NM_021728.4(OTX2):c.706_725del (p.Thr236fs)

Gene: OTX2 (orthodenticle homeobox 2; minus strand). Cytogenetic location: 14q22.3.
Variant type: Deletion.
Coding change: c.706_725del on transcript NM_021728.4 (MANE Select); coding-DNA positions 706 to 725, 20 bases deleted (ACCAGCCATCTCAATCAGTC).
Protein change: p.Thr236fs; shifts the reading frame from threonine 236.
Molecular consequence: frameshift variant. On other transcripts: non-coding transcript variant (2).
Genome position (GRCh38, 1-based): chr14:56,801,904-56,801,923, GACTGATTGAGATGGCTGGT deleted on the plus strand (ACCAGCCATCTCAATCAGTC on the coding strand, the reverse complement: OTX2 is on the minus strand); deleting any 20 consecutive bases within chr14:56,801,904-56,801,928 gives the same sequence; the c. name uses the placement nearest the transcript's 3' end. VCF-style (leftmost placement, unchanged base first): chr14-56801903-GGACTGATTGAGATGGCTGGT-G. GRCh37 (hg19) VCF-style: chr14-57268621-GGACTGATTGAGATGGCTGGT-G.
Other names: c.682_701del, p.Thr228fs (NM_001270523.2, NM_001270524.2, NM_172337.3); c.706_725del, p.Thr236fs (NM_001270525.2); short protein forms T228fs, T236fs.
Identifiers: ClinVar variation 3382712 (VCV003382712.2).
Genomic context (GRCh38, chr14:56,801,903, plus strand): 5'-AGTGGTTGAGTTAAAACCCAAGCTTGAAGCTCCATATCCCTGGGTGGAAAGAGAAGCTGG[GGACTGATTGAGATGGCTGGT>G]GACTGCATTGGTACCCATGGGACTGAGTGTGGCCCCTGGTCCGGGAAGCTGGTGATGCAT-3'